The following is an entry in ClinVar:

ClinVar aggregate classification (germline): Likely pathogenic (1 of 4 stars; one submission).

Conditions:
Hermansky-Pudlak syndrome (HPS). Also called: ALBINISM WITH HEMORRHAGIC DIATHESIS AND PIGMENTED RETICULOENDOTHELIAL CELLS. Identifiers: Orphanet 79430, MedGen C0079504, MONDO:0019312.

Submission:

Natera, Inc.
Classification: Likely pathogenic for Hermansky-Pudlak syndrome. Last evaluated: 2025-03-26. Review status: criteria provided, single submitter. Criteria: Natera Variant Classification Schema (03/2026). Collection method: clinical testing. Allele origin: germline.
Comment: The c.437_439del variant in HPS3 is an in-frame deletion predicted to remove glycine at amino acid 146 while preserving the reading frame. This variant is rare in the general population with a frequency below the threshold expected for the associated phenotype(s). This variant has been observed in one or more individuals affected with the associated recessive disease, as either homozygous or compound heterozygous with a second variant (PMID: 32969595). This variant results in a change to the protein length while preserving reading frame, which may disrupt normal protein structure or function. Given the available evidence, this variant is classified as Likely Pathogenic.

Literature cited by the submitters: PubMed 32969595.

NM_032383.5(HPS3):c.437_439del (p.Gly146del)

Gene: HPS3 (HPS3 biogenesis of lysosomal organelles complex 2 subunit 1; plus strand). Cytogenetic location: 3q24.
Variant type: Deletion.
Coding change: c.437_439del on transcript NM_032383.5 (MANE Select); coding-DNA positions 437 to 439, 3 bases deleted (GAG; older notation c.437_439delGAG).
Protein change: p.Gly146del; deletes glycine 146.
Molecular consequence: intron variant (on NM_001308258.2).
Genome position (GRCh38, 1-based): chr3:149,140,223-149,140,225, GAG deleted; deleting any 3 consecutive bases within chr3:149,140,221-149,140,225 gives the same sequence; the c. name uses the placement nearest the transcript's 3' end. VCF-style (leftmost placement, unchanged base first): chr3-149140220-AAGG-A. GRCh37 (hg19) VCF-style: chr3-148858007-AAGG-A.
Other names: c.218-794_218-792del (NM_001308258.2); short protein forms G146del.
Identifiers: ClinVar variation 4069471 (VCV004069471.2).